The following is an entry in ClinVar:

NM_007052.5(NOX1):c.56T>A (p.Leu19Ter)

Gene: NOX1 (NADPH oxidase 1; minus strand). Cytogenetic location: Xq22.1.
Variant type: single nucleotide variant.
Coding change: c.56T>A on transcript NM_007052.5 (MANE Select); coding-DNA position 56, T replaced by A.
Protein change: p.Leu19Ter; replaces leucine 19 with a stop codon.
Molecular consequence: nonsense.
Genome position (GRCh38, 1-based): chrX:100,870,804, A>T on the plus strand (T>A on the coding strand, the complement: NOX1 is on the minus strand). VCF-style: chrX-100870804-A-T. GRCh37 (hg19) VCF-style: chrX-100125793-A-T.
Other names: c.56T>A, p.Leu19Ter (NM_001271815.2, NM_013955.3); short protein forms L19*.
Identifiers: ClinVar variation 4795509 (VCV004795509.1).

ClinVar aggregate classification (germline): Uncertain significance (1 of 4 stars; one submission).

Submission:

GeneDx
Classification: Uncertain significance. Last evaluated: 2025-08-05. Review status: criteria provided, single submitter. Criteria: GeneDx Variant Classification Process June 2021. Collection method: clinical testing. Allele origin: germline. Affected: yes.
Comment: Not observed at significant frequency in large population cohorts (gnomAD); Nonsense variant predicted to result in protein truncation or nonsense mediated decay in a gene or region of a gene for which loss of function is not a well-established mechanism of disease; Has not been previously published as pathogenic or benign to our knowledge